The following is an entry in ClinVar:

NM_001364171.2(ODAD1):c.122A>C (p.Glu41Ala)

Gene: ODAD1 (outer dynein arm docking complex subunit 1; minus strand). Cytogenetic location: 19q13.33.
Variant type: single nucleotide variant.
Coding change: c.122A>C on transcript NM_001364171.2 (MANE Select); coding-DNA position 122, A replaced by C.
Protein change: p.Glu41Ala; replaces glutamic acid 41 with alanine.
Molecular consequence: missense variant.
Genome position (GRCh38, 1-based): chr19:48,318,761, T>G on the plus strand (A>C on the coding strand, the complement: ODAD1 is on the minus strand). VCF-style: chr19-48318761-T-G. GRCh37 (hg19) VCF-style: chr19-48822018-T-G.
Other names: c.11A>C, p.Glu4Ala (NM_144577.4); short protein forms E41A, E4A.
Identifiers: ClinVar variation 2183666 (VCV002183666.4), dbSNP rs2515959139, ClinGen allele CA406666568.
Genomic context (GRCh38, chr19:48,318,761, plus strand): 5'-CGCCCAGCTCACAGTTGCTTGTTGATGCGCTGGTGGACTTCCTTGCTGTAGGCCCGCCTC[T>G]CCCCTTCCATCACTTTGCATTGTCGCTGCAGCCTACTCAGCTCCCAATCCACTGAGAACA-3'
Protein context (NP_001351100.1, residues 31-51): LQRQCKVMEG[Glu41Ala]RRAYSKEVHQ

ClinVar aggregate classification (germline): Uncertain significance (1 of 4 stars; one submission).

Conditions:
Primary ciliary dyskinesia. Also called: Ciliary dyskinesia. Identifiers: Orphanet 244, MedGen C0008780, MONDO:0016575, HP:0012265.

Submission:

Labcorp Genetics (formerly Invitae), Labcorp
Classification: Uncertain significance for Primary ciliary dyskinesia. Last evaluated: 2022-05-31. Review status: criteria provided, single submitter. Criteria: Invitae Variant Classification Sherloc (09022015). Collection method: clinical testing. Allele origin: germline.
Comment: This sequence change replaces glutamic acid, which is acidic and polar, with alanine, which is neutral and non-polar, at codon 4 of the CCDC114 protein (p.Glu4Ala). This variant is not present in population databases (gnomAD no frequency). This variant has not been reported in the literature in individuals affected with CCDC114-related conditions. Algorithms developed to predict the effect of missense changes on protein structure and function are either unavailable or do not agree on the potential impact of this missense change (SIFT: "Tolerated"; PolyPhen-2: "Probably Damaging"; Align-GVGD: "Class C0"). In summary, the available evidence is currently insufficient to determine the role of this variant in disease. Therefore, it has been classified as a Variant of Uncertain Significance.